The following is an entry in ClinVar:

NM_000092.5(COL4A4):c.1270A>G (p.Ile424Val)

Gene: COL4A4 (collagen type IV alpha 4 chain; minus strand). Cytogenetic location: 2q36.3.
Variant type: single nucleotide variant.
Coding change: c.1270A>G on transcript NM_000092.5 (MANE Select); coding-DNA position 1270, A replaced by G.
Protein change: p.Ile424Val; replaces isoleucine 424 with valine.
Molecular consequence: missense variant.
Genome position (GRCh38, 1-based): chr2:227,094,224, T>C on the plus strand (A>G on the coding strand, the complement: COL4A4 is on the minus strand). VCF-style: chr2-227094224-T-C. GRCh37 (hg19) VCF-style: chr2-227958940-T-C.
Other names: short protein forms I424V.
Identifiers: ClinVar variation 4988969 (VCV004988969.1).

ClinVar aggregate classification (germline): Uncertain significance (1 of 4 stars; one submission).

Conditions:
COL4A4-related disorder.

gnomAD v4.1: 8 of 1,613,672 alleles (0.0005%); highest among the groups gnomAD compares: African/African-American, 0.011%; no homozygotes.

Submission:

PreventionGenetics, part of Exact Sciences
Classification: Uncertain significance for COL4A4-related condition. Last evaluated: 2026-02-03. Review status: criteria provided, single submitter. Criteria: ACMG Guidelines, 2015. Collection method: clinical testing. Allele origin: germline.
Comment: The COL4A4 c.1270A>G variant is predicted to result in the amino acid substitution p.Ile424Val. To our knowledge, this variant has not been reported in the literature. This variant is reported in 0.017% of alleles in individuals of African descent in gnomAD. At this time, the clinical significance of this variant is uncertain due to the absence of conclusive functional and genetic evidence.